The following is an entry in ClinVar:

ClinVar aggregate classification (germline): Benign. Review status: criteria provided, multiple submitters, no conflicts (2 of 4 stars). 3 submissions from 3 submitters: Benign (3). Last evaluated 2018-06-14.

Conditions:
Multiple acyl-CoA dehydrogenase deficiency (MADD). Also called: ETHYLMALONIC-ADIPICACIDURIA; GA II; Glutaric aciduria, type 2; Glutaric acidemia type II; GA 2; Glutaric Acidemia type 2. Identifiers: Orphanet 26791, MedGen C0268596, MONDO:0009282, OMIM 231680.

Allele frequency attached by ClinVar (database versions not stated): 1000 Genomes Project 30x 0.97142; 1000 Genomes Project 0.97424; TOPMed 0.97491; gnomAD 0.97654 and 0.97799; gnomAD exomes 0.99681.
gnomAD v4.1: 525,983 of 530,574 alleles (99%); highest among the groups gnomAD compares: Non-Finnish European, 100%; 260,841 homozygotes.

Submissions (3):

GeneDx
Classification: Benign. Last evaluated: 2018-06-14. Review status: criteria provided, single submitter. Criteria: GeneDx Variant Classification Process June 2021. Collection method: clinical testing. Allele origin: germline. Affected: yes.

Illumina Laboratory Services, Illumina
Classification: Benign for Multiple acyl-CoA dehydrogenase deficiency. Last evaluated: 2018-01-12. Review status: criteria provided, single submitter. Criteria: ICSL Variant Classification Criteria 13 December 2019. Collection method: clinical testing. Allele origin: germline.
Comment: This variant was observed in the ICSL laboratory as part of a predisposition screen in an ostensibly healthy population. It had not been previously curated by ICSL or reported in the Human Gene Mutation Database (HGMD: prior to June 1st, 2018), and was therefore a candidate for classification through an automated scoring system. Utilizing variant allele frequency, disease prevalence and penetrance estimates, and inheritance mode, an automated score was calculated to assess if this variant is too frequent to cause the disease. Based on the score and internal cut-off values, a variant classified as benign is not then subjected to further curation. The score for this variant resulted in a classification of benign for this disease.

Breakthrough Genomics
Classification: Benign. Review status: criteria provided, single submitter. Criteria: ACMG Guidelines, 2015. Collection method: not provided. Allele origin: germline. Inheritance: Autosomal recessive inheritance. Affected: yes.

NM_000126.4(ETFA):c.*216A>T

Gene: ETFA (electron transfer flavoprotein subunit alpha; minus strand). Cytogenetic location: 15q24.2.
Variant type: single nucleotide variant.
Coding change: c.*216A>T on transcript NM_000126.4 (MANE Select); 216 bases downstream of the stop codon, A replaced by T.
Molecular consequence: 3 prime UTR variant.
Genome position (GRCh38, 1-based): chr15:76,216,343, T>A on the plus strand (A>T on the coding strand, the complement: ETFA is on the minus strand). VCF-style: chr15-76216343-T-A. GRCh37 (hg19) VCF-style: chr15-76508684-T-A.
Other names: c.*216A>T (NM_001127716.2).
Identifiers: ClinVar variation 317152 (VCV000317152.7), dbSNP rs1803550, ClinGen allele CA10642579.